The following is an entry in ClinVar:

ClinVar aggregate classification (germline): Benign/Likely benign. Review status: criteria provided, multiple submitters, no conflicts (2 of 4 stars). 4 submissions from 4 submitters: Benign (1); Likely benign (3). Last evaluated 2026-02-23.

Conditions:
Hereditary nonpolyposis colorectal neoplasms. Identifiers: MedGen C0009405, MeSH D003123.
Hereditary cancer-predisposing syndrome. Also called: Tumor predisposition; Hereditary Cancer Syndrome; Neoplastic Syndromes, Hereditary; Hereditary neoplastic syndrome. Identifiers: Orphanet 140162, MedGen C0027672, MeSH D009386, MONDO:0015356.
Lynch syndrome 4 (LYNCH4). Also called: Colorectal cancer, hereditary nonpolyposis, type 4; Hereditary non-polyposis colorectal cancer, type 4. Identifiers: Orphanet 144, MedGen C1838333, MONDO:0013699, OMIM 614337. Disease mechanism: loss of function.

Submissions (4):

Ambry Genetics
Classification: Likely benign for Hereditary cancer-predisposing syndrome. Last evaluated: 2026-02-23. Review status: criteria provided, single submitter. Criteria: Ambry Variant Classification Scheme 2023. Collection method: clinical testing. Allele origin: germline.

Labcorp Genetics (formerly Invitae), Labcorp
Classification: Likely benign for Hereditary nonpolyposis colorectal neoplasms. Last evaluated: 2025-10-26. Review status: criteria provided, single submitter. Criteria: Invitae Variant Classification Sherloc (09022015). Collection method: clinical testing. Allele origin: germline.

Myriad Genetics, Inc.
Classification: Benign for Lynch syndrome 4. Last evaluated: 2025-01-30. Review status: criteria provided, single submitter. Criteria: Myriad Autosomal Dominant, Autosomal Recessive and X-Linked Classification Criteria (2023). Collection method: clinical testing. Allele origin: unknown.
Comment: This variant is considered benign. This variant is a silent/synonymous amino acid change and it is not expected to impact splicing.

GeneDx
Classification: Likely benign. Last evaluated: 2017-06-21. Review status: criteria provided, single submitter. Criteria: GeneDx Variant Classification (06012015). Collection method: clinical testing. Allele origin: germline. Affected: yes.
Comment: This variant is considered likely benign or benign based on one or more of the following criteria: it is a conservative change, it occurs at a poorly conserved position in the protein, it is predicted to be benign by multiple in silico algorithms, and/or has population frequency not consistent with disease.

NM_000535.7(PMS2):c.1401C>G (p.Val467=)

Gene: PMS2 (PMS1 homolog 2, mismatch repair system component; minus strand). Cytogenetic location: 7p22.1.
Variant type: single nucleotide variant.
Coding change: c.1401C>G on transcript NM_000535.7 (MANE Select); coding-DNA position 1401, C replaced by G.
Protein change: p.Val467=; no amino-acid change (valine 467 retained).
Molecular consequence: synonymous variant. On other transcripts: non-coding transcript variant (1).
Genome position (GRCh38, 1-based): chr7:5,987,364, G>C on the plus strand (C>G on the coding strand, the complement: PMS2 is on the minus strand). VCF-style: chr7-5987364-G-C. GRCh37 (hg19) VCF-style: chr7-6026995-G-C.
Other names: c.996C>G, p.Val332= (NM_001322003.2, NM_001322004.2, NM_001322005.2 and 1 more transcripts); c.1245C>G, p.Val415= (NM_001322006.2); c.1083C>G, p.Val361= (NM_001322007.2, NM_001322008.2); c.840C>G, p.Val280= (NM_001322010.2); c.468C>G, p.Val156= (NM_001322011.2, NM_001322012.2); c.828C>G, p.Val276= (NM_001322013.2); c.1401C>G, p.Val467= (NM_001322014.2); c.1092C>G, p.Val364= (NM_001322015.2).
Identifiers: ClinVar variation 510412 (VCV000510412.5), dbSNP rs1554297788, ClinGen allele CA453746628.